The following is an entry in ClinVar:

ClinVar aggregate classification (germline): Uncertain significance. Review status: criteria provided, multiple submitters, no conflicts (2 of 4 stars). 2 submissions from 2 submitters: Uncertain significance (2). Last evaluated 2025-12-30.

Conditions:
Intellectual disability, X-linked, with or without seizures, ARX-related. Also called: MENTAL RETARDATION, X-LINKED 29; MENTAL RETARDATION, X-LINKED 32; MENTAL RETARDATION, X-LINKED 33; MENTAL RETARDATION, X-LINKED 38; MENTAL RETARDATION, X-LINKED 43; MENTAL RETARDATION, X-LINKED 76. Identifiers: Orphanet 777, MedGen C0796244, MONDO:0010317, OMIM 300419.
Developmental and epileptic encephalopathy, 1 (DEE1). Also called: INFANTILE SPASM SYNDROME, X-LINKED 1; X-linked infantile spasms; West's syndrome; Tonic spasms with clustering, arrest of psychomotor development and hypsarrhythmia on EEG; X-Linked Infantile Spasm Syndrome; OHTAHARA SYNDROME, X-LINKED. Identifiers: MedGen C3463992, MONDO:0010632, OMIM 308350. Disease mechanism: loss of function.

Submissions (2):

Labcorp Genetics (formerly Invitae), Labcorp
Classification: Uncertain significance for Developmental and epileptic encephalopathy, 1; Intellectual disability, X-linked, with or without seizures, ARX-related. Last evaluated: 2025-12-30. Review status: criteria provided, single submitter. Criteria: Invitae Variant Classification Sherloc (09022015). Collection method: clinical testing. Allele origin: germline.
Comment: This sequence change replaces arginine, which is basic and polar, with proline, which is neutral and non-polar, at codon 204 of the ARX protein (p.Arg204Pro). This variant is not present in population databases (gnomAD no frequency). This variant has not been reported in the literature in individuals affected with ARX-related conditions. ClinVar contains an entry for this variant (Variation ID: 2664231). Invitae Evidence Modeling of protein sequence and biophysical properties (such as structural, functional, and spatial information, amino acid conservation, physicochemical variation, residue mobility, and thermodynamic stability) indicates that this missense variant is not expected to disrupt ARX protein function with a negative predictive value of 95%. In summary, the available evidence is currently insufficient to determine the role of this variant in disease. Therefore, it has been classified as a Variant of Uncertain Significance.

Neuberg Centre For Genomic Medicine, NCGM
Classification: Uncertain significance for Developmental and epileptic encephalopathy, 1. Review status: criteria provided, single submitter. Criteria: ACMG Guidelines, 2015. Collection method: clinical testing. Allele origin: germline. Inheritance: X-linked inheritance. Affected: yes.

NM_139058.3(ARX):c.611G>C (p.Arg204Pro)

Gene: ARX (aristaless related homeobox; minus strand). Cytogenetic location: Xp21.3.
Variant type: single nucleotide variant.
Coding change: c.611G>C on transcript NM_139058.3 (MANE Select); coding-DNA position 611, G replaced by C.
Protein change: p.Arg204Pro; replaces arginine 204 with proline.
Molecular consequence: missense variant.
Genome position (GRCh38, 1-based): chrX:25,013,384, C>G on the plus strand (G>C on the coding strand, the complement: ARX is on the minus strand). VCF-style: chrX-25013384-C-G. GRCh37 (hg19) VCF-style: chrX-25031501-C-G.
Other names: short protein forms R204P.
Identifiers: ClinVar variation 2664231 (VCV002664231.2), dbSNP rs755745002, ClinGen allele CA412612807.